The following is an entry in ClinVar:

NM_002890.3(RASA1):c.877G>T (p.Val293Leu)

Genes: CCNH (cyclin H; minus strand), RASA1 (RAS p21 protein activator 1; plus strand). Cytogenetic location: 5q14.3.
Variant type: single nucleotide variant.
Coding change: c.877G>T on transcript NM_002890.3 (MANE Select); coding-DNA position 877, G replaced by T.
Protein change: p.Val293Leu; replaces valine 293 with leucine.
Molecular consequence: missense variant. On other transcripts: intron variant (1).
Genome position (GRCh38, 1-based): chr5:87,333,315, G>T. VCF-style: chr5-87333315-G-T. GRCh37 (hg19) VCF-style: chr5-86629132-G-T.
Other names: c.346G>T, p.Val116Leu (NM_022650.3); c.934-20520C>A (NM_001364075.2); short protein forms V116L, V293L.
Identifiers: ClinVar variation 4862978 (VCV004862978.1).

ClinVar aggregate classification (germline): Uncertain significance (1 of 4 stars; one submission).

Conditions:
Cardiovascular phenotype. Identifiers: MedGen CN230736.

Submission:

Ambry Genetics
Classification: Uncertain significance for Cardiovascular phenotype. Last evaluated: 2026-05-23. Review status: criteria provided, single submitter. Criteria: Ambry Variant Classification Scheme 2023. Collection method: clinical testing. Allele origin: germline.
Comment: The p.V293L variant (also known as c.877G>T), located in coding exon 4 of the RASA1 gene, results from a G to T substitution at nucleotide position 877. The valine at codon 293 is replaced by leucine, an amino acid with highly similar properties. This amino acid position is conserved. In addition, the in silico prediction for this alteration is inconclusive. Based on the available evidence, the clinical significance of this variant remains unclear.